The following is an entry in ClinVar:

ClinVar aggregate classification (germline): Conflicting classifications of pathogenicity. Review status: criteria provided, conflicting classifications (1 of 4 stars). 5 submissions from 5 submitters: Uncertain significance (1); Likely benign (4). Last evaluated 2026-05-12.

Conditions:
TTN-related disorder. Also called: TTN-related condition; TTN-related disease; TTN-related disorders.
Autosomal recessive limb-girdle muscular dystrophy type 2J (LGMDR10). Also called: Limb-girdle muscular dystrophy, type 2J; MUSCULAR DYSTROPHY, LIMB-GIRDLE, AUTOSOMAL RECESSIVE 10. Identifiers: Orphanet 140922, MedGen C1837342, MONDO:0012127, OMIM 608807.
Dilated cardiomyopathy 1G (CMD1G). Identifiers: Orphanet 154, MedGen C1858763, MONDO:0011400, OMIM 604145.
Cardiovascular phenotype. Identifiers: MedGen CN230736.

Allele frequency attached by ClinVar (database versions not stated): gnomAD 0.00001 and 0.00004; gnomAD exomes 0.00013 and 0.00025; 1000 Genomes Project 30x 0.00016; 1000 Genomes Project 0.00020; ExAC 0.00031.
gnomAD v4.1: 194 of 1,613,672 alleles (0.012%); highest among the groups gnomAD compares: South Asian, 0.2%; 3 homozygotes.

Submissions (5):

PreventionGenetics, part of Exact Sciences
Classification: Likely benign for TTN-related condition. Last evaluated: 2026-05-12. Review status: criteria provided, single submitter. Criteria: ACMG Guidelines, 2015. Collection method: clinical testing. Allele origin: germline.
Comment: This variant is classified as likely benign based on ACMG/AMP sequence variant interpretation guidelines (Richards et al. 2015 PMID: 25741868, with internal and published modifications).

Labcorp Genetics (formerly Invitae), Labcorp
Classification: Likely benign for Dilated cardiomyopathy 1G; Autosomal recessive limb-girdle muscular dystrophy type 2J. Last evaluated: 2026-01-19. Review status: criteria provided, single submitter. Criteria: Invitae Variant Classification Sherloc (09022015). Collection method: clinical testing. Allele origin: germline.

GeneDx
Classification: Likely benign. Last evaluated: 2024-05-13. Review status: criteria provided, single submitter. Criteria: GeneDx Variant Classification Process June 2021. Collection method: clinical testing. Allele origin: germline. Affected: yes.
Comment: See Variant Classification Assertion Criteria.

Revvity Omics, Revvity
Classification: Uncertain significance. Last evaluated: 2023-10-27. Review status: criteria provided, single submitter. Criteria: ACMG Guidelines, 2015. Collection method: clinical testing. Allele origin: germline.

Ambry Genetics
Classification: Likely benign for Cardiovascular phenotype. Last evaluated: 2019-12-23. Review status: criteria provided, single submitter. Criteria: Ambry Variant Classification Scheme 2023. Collection method: clinical testing. Allele origin: germline.

NM_001267550.2(TTN):c.98341T>C (p.Cys32781Arg)

Genes: TTN (titin; minus strand), TTN-AS1 (TTN antisense RNA 1; plus strand). Cytogenetic location: 2q31.2.
Variant type: single nucleotide variant.
Coding change: c.98341T>C on transcript NM_001267550.2 (MANE Select); coding-DNA position 98341, T replaced by C.
Protein change: p.Cys32781Arg; replaces cysteine 32781 with arginine.
Molecular consequence: missense variant. On other transcripts: non-coding transcript variant (1).
Genome position (GRCh38, 1-based): chr2:178,539,724, A>G on the plus strand (T>C on the coding strand, the complement: TTN is on the minus strand). VCF-style: chr2-178539724-A-G. GRCh37 (hg19) VCF-style: chr2-179404451-A-G.
Other names: c.98341T>C (NM_001267550.1); c.93418T>C, p.Cys31140Arg (NM_001256850.1); c.71146T>C, p.Cys23716Arg (NM_003319.4); c.90637T>C, p.Cys30213Arg (NM_133378.4); c.71521T>C, p.Cys23841Arg (NM_133432.3); c.71722T>C, p.Cys23908Arg (NM_133437.4); short protein forms C30213R, C31140R, C23841R, C32781R, C23716R, C23908R.
Identifiers: ClinVar variation 702878 (VCV000702878.19), dbSNP rs562178341, ClinGen allele CA1986390.